The following is an entry in ClinVar:

NM_002772.3(TMPRSS15):c.1340T>C (p.Met447Thr)

Gene: TMPRSS15 (transmembrane serine protease 15; minus strand). Cytogenetic location: 21q21.1.
Variant type: single nucleotide variant.
Coding change: c.1340T>C on transcript NM_002772.3 (MANE Select); coding-DNA position 1340, T replaced by C.
Protein change: p.Met447Thr; replaces methionine 447 with threonine.
Molecular consequence: missense variant.
Genome position (GRCh38, 1-based): chr21:18,343,594, A>G on the plus strand (T>C on the coding strand, the complement: TMPRSS15 is on the minus strand). VCF-style: chr21-18343594-A-G. GRCh37 (hg19) VCF-style: chr21-19715911-A-G.
Other names: short protein forms M447T.
Identifiers: ClinVar variation 713240 (VCV000713240.11), dbSNP rs78070123, ClinGen allele CA9984460.

ClinVar aggregate classification (germline): Conflicting classifications of pathogenicity. Review status: criteria provided, conflicting classifications (1 of 4 stars). 3 submissions from 3 submitters: Uncertain significance (1); Benign (1). 1 of the submissions does not count toward it. Last evaluated 2026-01-26.

Conditions:
TMPRSS15-related disorder. Also called: TMPRSS15-related condition.

Allele frequency attached by ClinVar (database versions not stated): gnomAD exomes 0.00023 and 0.00058; gnomAD 0.00284 and 0.00258; TOPMed 0.00297; 1000 Genomes Project 0.00339; 1000 Genomes Project 30x 0.00375; ExAC 0.00073; ESP Exome Variant Server 0.00254.
gnomAD v4.1: 759 of 1,613,248 alleles (0.047%); highest among the groups gnomAD compares: African/African-American, 0.85%; 2 homozygotes.

Submissions (3):

Labcorp Genetics (formerly Invitae), Labcorp
Classification: Benign. Last evaluated: 2026-01-26. Review status: criteria provided, single submitter. Criteria: Invitae Variant Classification Sherloc (09022015). Collection method: clinical testing. Allele origin: germline.

Ambry Genetics
Classification: Uncertain significance. Last evaluated: 2025-08-03. Review status: criteria provided, single submitter. Criteria: Ambry Variant Classification Scheme 2023. Collection method: clinical testing. Allele origin: germline.

PreventionGenetics, part of Exact Sciences
Classification: Likely benign for TMPRSS15-related condition. Last evaluated: 2019-06-02. Review status: no assertion criteria provided. Collection method: clinical testing. Allele origin: germline. Not counted in ClinVar's aggregate classification.
Comment: This variant is classified as likely benign based on ACMG/AMP sequence variant interpretation guidelines (Richards et al. 2015 PMID: 25741868, with internal and published modifications).